The following is an entry in ClinVar:

NM_001177316.2(SLC34A3):c.1057C>T (p.Arg353Cys)

Gene: SLC34A3 (solute carrier family 34 member 3; plus strand). Cytogenetic location: 9q34.3.
Variant type: single nucleotide variant.
Coding change: c.1057C>T on transcript NM_001177316.2 (MANE Select); coding-DNA position 1057, C replaced by T.
Protein change: p.Arg353Cys; replaces arginine 353 with cysteine.
Molecular consequence: missense variant.
Genome position (GRCh38, 1-based): chr9:137,234,240, C>T. VCF-style: chr9-137234240-C-T. GRCh37 (hg19) VCF-style: chr9-140128692-C-T.
Other names: c.1057C>T, p.Arg353Cys (NM_001177317.2, NM_080877.3); short protein forms R353C.
Identifiers: ClinVar variation 1370698 (VCV001370698.10), dbSNP rs750292913, ClinGen allele CA5364745.
Genomic context (GRCh38, chr9:137,234,240, plus strand): 5'-CTGGTGCTCTGCGGCTGCCTGGTCCTCATAGTCAAGCTGCTCAACTCTGTGCTGCGCGGC[C>T]GCGTGGCCCAGGTCGTGAGGACAGTCATCAATGCGGGTGAGGGCGTGGGAGGAGGTGCGG-3'
Protein context (NP_001170787.2, residues 343-363): VKLLNSVLRG[Arg353Cys]VAQVVRTVIN

ClinVar aggregate classification (germline): Uncertain significance. Review status: criteria provided, multiple submitters, no conflicts (2 of 4 stars). 3 submissions from 3 submitters: Uncertain significance (3). Last evaluated 2024-09-09.

Conditions:
Inborn genetic diseases. Identifiers: MedGen C0950123, MeSH D030342.
Autosomal recessive hypophosphatemic bone disease (HHRH). Also called: HYPERCALCIURIC RICKETS; Hypophosphatemic rickets with hypercalciuria. Identifiers: Orphanet 157215, MedGen C1853271, MONDO:0009431, OMIM 241530.

Allele frequency attached by ClinVar (database versions not stated): TOPMed below 0.00001; gnomAD 0.00001; gnomAD exomes 0.00001 and 0.00002; ExAC 0.00002.
gnomAD v4.1: 16 of 1,610,358 alleles (0.00099%); highest among the groups gnomAD compares: Middle Eastern, 0.016%; no homozygotes.

Submissions (3):

Ambry Genetics
Classification: Uncertain significance for Inborn genetic diseases. Last evaluated: 2024-09-09. Review status: criteria provided, single submitter. Criteria: Ambry Variant Classification Scheme 2023. Collection method: clinical testing. Allele origin: germline.

Labcorp Genetics (formerly Invitae), Labcorp
Classification: Uncertain significance. Last evaluated: 2022-08-20. Review status: criteria provided, single submitter. Criteria: Invitae Variant Classification Sherloc (09022015). Collection method: clinical testing. Allele origin: germline.
Comment: In summary, the available evidence is currently insufficient to determine the role of this variant in disease. Therefore, it has been classified as a Variant of Uncertain Significance. ClinVar contains an entry for this variant (Variation ID: 1370698). This variant has not been reported in the literature in individuals affected with SLC34A3-related conditions. This variant is present in population databases (rs750292913, gnomAD 0.009%). This sequence change replaces arginine, which is basic and polar, with cysteine, which is neutral and slightly polar, at codon 353 of the SLC34A3 protein (p.Arg353Cys). Algorithms developed to predict the effect of missense changes on protein structure and function are either unavailable or do not agree on the potential impact of this missense change (SIFT: "Deleterious"; PolyPhen-2: "Probably Damaging"; Align-GVGD: "Class C15").

Fulgent Genetics
Classification: Uncertain significance for Autosomal recessive hypophosphatemic bone disease. Last evaluated: 2021-12-20. Review status: criteria provided, single submitter. Criteria: ACMG Guidelines, 2015. Collection method: clinical testing. Allele origin: unknown.